The following is an entry in ClinVar:

NM_000330.4(RS1):c.466A>G (p.Arg156Gly)

Genes: CDKL5 (cyclin dependent kinase like 5; plus strand), RS1 (retinoschisin 1; minus strand). Cytogenetic location: Xp22.13.
Variant type: single nucleotide variant.
Coding change: c.466A>G on transcript NM_000330.4 (MANE Select); coding-DNA position 466, A replaced by G.
Protein change: p.Arg156Gly; replaces arginine 156 with glycine.
Molecular consequence: missense variant. On other transcripts: intron variant (2).
Genome position (GRCh38, 1-based): chrX:18,644,486, T>C on the plus strand (A>G on the coding strand, the complement: RS1 is on the minus strand). VCF-style: chrX-18644486-T-C. GRCh37 (hg19) VCF-style: chrX-18662606-T-C.
Other names: c.2714-1521T>C (NM_003159.3, NM_001037343.2); short protein forms R156G.
Identifiers: ClinVar variation 1439617 (VCV001439617.9), dbSNP rs2147191190, ClinGen allele CA412371517.

ClinVar aggregate classification (germline): Pathogenic. Review status: criteria provided, multiple submitters, no conflicts (2 of 4 stars). 2 submissions from 2 submitters: Pathogenic (2). Last evaluated 2025-09-04.

Conditions:
Retinal dystrophy. Also called: Inherited retinal dystrophy. Identifiers: Orphanet 71862, MedGen C0854723, MeSH D058499, MONDO:0019118, HP:0000556.

Submissions (2):

Labcorp Genetics (formerly Invitae), Labcorp
Classification: Pathogenic. Last evaluated: 2025-09-04. Review status: criteria provided, single submitter. Criteria: Invitae Variant Classification Sherloc (09022015). Collection method: clinical testing. Allele origin: germline.
Comment: This sequence change replaces arginine, which is basic and polar, with glycine, which is neutral and non-polar, at codon 156 of the RS1 protein (p.Arg156Gly). This variant is not present in population databases (gnomAD no frequency). This missense change has been observed in individual(s) with X-linked retinoschisis (PMID: 18369700). It has also been observed to segregate with disease in related individuals. ClinVar contains an entry for this variant (Variation ID: 1439617). Invitae Evidence Modeling of protein sequence and biophysical properties (such as structural, functional, and spatial information, amino acid conservation, physicochemical variation, residue mobility, and thermodynamic stability) indicates that this missense variant is not expected to disrupt RS1 protein function with a negative predictive value of 95%. For these reasons, this variant has been classified as Pathogenic.

Institute of Human Genetics, Univ. Regensburg, Univ. Regensburg
Classification: Pathogenic for Retinal dystrophy. Last evaluated: 2013-01-01. Review status: criteria provided, single submitter. Criteria: ACMG Guidelines, 2015. Collection method: clinical testing. Allele origin: germline. Affected: yes.

Literature cited by the submitters: PubMed 18369700 (cited by Labcorp Genetics (formerly Invitae), Labcorp); PubMed 17615541 (cited by Institute of Human Genetics, Univ. Regensburg, Univ. Regensburg).